The following is an entry in ClinVar:

NM_031206.7(LAS1L):c.2082dup (p.Leu697fs)

Gene: LAS1L (LAS1 like ribosome biogenesis factor; minus strand). Cytogenetic location: Xq12.
Variant type: Duplication.
Coding change: c.2082dup on transcript NM_031206.7 (MANE Select); coding-DNA position 2082, one base duplicated (C; older notation c.2082dupC).
Protein change: p.Leu697fs; shifts the reading frame from leucine 697.
Molecular consequence: frameshift variant. On other transcripts: non-coding transcript variant (3).
Genome position (GRCh38, 1-based): chrX:65,512,898, G duplicated on the plus strand (C on the coding strand, the reverse complement: LAS1L is on the minus strand); the first of 2 consecutive G bases (chrX:65,512,898-65,512,899); duplicating either gives the same sequence. VCF-style (leftmost placement, unchanged base first): chrX-65512897-A-AG. GRCh37 (hg19) VCF-style: chrX-64732777-A-AG.
Other names: c.2031dup, p.Leu680fs (NM_001170649.2); c.1905dup, p.Leu638fs (NM_001170650.2); c.2079dup, p.Leu696fs (NM_001375328.1); c.1125dup, p.Leu378fs (NM_001375332.1); c.2028dup, p.Leu679fs (NM_001375333.1); short protein forms L378fs, L638fs, L679fs, L680fs, L696fs, L697fs.
Identifiers: ClinVar variation 4759342 (VCV004759342.1).

ClinVar aggregate classification (germline): Likely pathogenic (1 of 4 stars; one submission).

Conditions:
Wilson-Turner syndrome (WTS). Also called: MENTAL RETARDATION, X-LINKED, SYNDROMIC 6; INTELLECTUAL DEVELOPMENTAL DISORDER, X-LINKED, SYNDROMIC, WILSON-TURNER TYPE. Identifiers: Orphanet 3459, MedGen C1839736, MONDO:0010665, OMIM 309585.

Submission:

Laboratory of Pediatric Genetic Metabolic and Endocrine Rare Diseases, Tongji Hospital, Tongji Medical College, Huazhong University of Science and Technology
Classification: Likely pathogenic for Wilson-Turner syndrome. Last evaluated: 2026-02-12. Review status: criteria provided, single submitter. Criteria: ACMG Guidelines, 2015. Collection method: clinical testing. Allele origin: germline. Inheritance: X-linked recessive inheritance. Affected: yes. Observed: 1 hemizygote.
Comment: The variant was absent from population databases. Functional studies in HEK-293T cells demonstrated reduced protein expression consistent with partial loss of function. According to ACMG/AMP guidelines, this variant meets criteria PVS1, PM2, and PS3, and is classified as likely pathogenic.